The following is an entry in ClinVar:

ClinVar aggregate classification (germline): Uncertain significance (1 of 4 stars; one submission).

Submission:

Labcorp Genetics (formerly Invitae), Labcorp
Classification: Uncertain significance. Last evaluated: 2022-02-27. Review status: criteria provided, single submitter. Criteria: Invitae Variant Classification Sherloc (09022015). Collection method: clinical testing. Allele origin: germline.
Comment: In summary, the available evidence is currently insufficient to determine the role of this variant in disease. Therefore, it has been classified as a Variant of Uncertain Significance. This sequence change replaces leucine, which is neutral and non-polar, with valine, which is neutral and non-polar, at codon 18 of the GPAA1 protein (p.Leu18Val). This variant is not present in population databases (gnomAD no frequency). This variant has not been reported in the literature in individuals affected with GPAA1-related conditions. Algorithms developed to predict the effect of missense changes on protein structure and function (SIFT, PolyPhen-2, Align-GVGD) all suggest that this variant is likely to be tolerated.

NM_003801.4(GPAA1):c.52C>G (p.Leu18Val)

Genes: GPAA1 (glycosylphosphatidylinositol anchor attachment 1; plus strand), LOC130001364 (ATAC-STARR-seq lymphoblastoid silent region 19654; plus strand). Cytogenetic location: 8q24.3.
Variant type: single nucleotide variant.
Coding change: c.52C>G on transcript NM_003801.4 (MANE Select); coding-DNA position 52, C replaced by G.
Protein change: p.Leu18Val; replaces leucine 18 with valine.
Molecular consequence: missense variant.
Genome position (GRCh38, 1-based): chr8:144,082,782, C>G. VCF-style: chr8-144082782-C-G. GRCh37 (hg19) VCF-style: chr8-145137685-C-G.
Other names: short protein forms L18V.
Identifiers: ClinVar variation 2103810 (VCV002103810.4), dbSNP rs2537313037, ClinGen allele CA372597291.